The following is an entry in ClinVar:

ClinVar aggregate classification (germline): Pathogenic (1 of 4 stars; one submission).

Conditions:
Duchenne muscular dystrophy (DMD). Also called: MUSCULAR DYSTROPHY, PSEUDOHYPERTROPHIC PROGRESSIVE, DUCHENNE TYPE; Duchenne Muscular Dystrophy (DMD). Identifiers: Orphanet 98896, MedGen C0013264, MONDO:0010679, OMIM 310200.

Submission:

Labcorp Genetics (formerly Invitae), Labcorp
Classification: Pathogenic for Duchenne muscular dystrophy. Last evaluated: 2016-12-13. Review status: criteria provided, single submitter. Criteria: Invitae Variant Classification Sherloc (09022015). Collection method: clinical testing. Allele origin: germline.
Comment: This variant is a gross deletion of the genomic region encompassing exon 51 of the DMD gene. This creates a premature translational stop signal and is expected to result in an absent or disrupted protein product. Loss-of-function variants, including gross deletions, in DMD are known to be pathogenic. Deletion of exon 51 has been reported in the literature in several individuals affected with Duchenne or Becker muscular dystrophy (PMID: 9007319, 9028449, 18683213, 18752307, 19449031, 25244321, 26911353, 22090376). For these reasons, this variant has been classified as Pathogenic.

NC_000023.11:g.(?_31773960)_(31774192_?)del

Gene: DMD (dystrophin; minus strand). Cytogenetic location: Xp21.1.
Variant type: Deletion.
Identifiers: ClinVar variation 417487 (VCV000417487.1).